The following is an entry in ClinVar:

ClinVar aggregate classification (germline): Pathogenic (1 of 4 stars; one submission).

Conditions:
Intellectual disability-facial dysmorphism syndrome due to SETD5 haploinsufficiency (MRD23). Also called: Intellectual developmental disorder, autosomal dominant 23. Identifiers: Orphanet 404440, MedGen C3810406, MONDO:0014336, OMIM 615761.

Submission:

Laboratorio de Biologia Molecular/Medicina Genomica - IFF/Fiocruz, Instituto Fernandes Figueira, Fundacao Oswaldo Cruz
Classification: Pathogenic for Intellectual developmental disorder, autosomal dominant 23. Last evaluated: 2025-09-02. Review status: criteria provided, single submitter. Criteria: ACMG Guidelines, 2015. Collection method: clinical testing. Allele origin: de novo. Affected: yes. Observed: 1 variant allele.
Comment: Variant: c.2104-1G>C in intron 15 of the SETD5 gene. Protein effect: Splicing acceptor substitution at a highly conserved across species. In silico tools: predict altered mRNA splicing due to loss of splice acceptor site. Population database (gnomAD): Absent. Residue evidence: Another variant at the same residue has been reported as Likely Pathogenic (Accession: VCV001325054.4). ACMG/AMP criteria applied: PVS1, PM2_Supporting, PS1_Supporting, PM6_Supporting.

NM_001080517.3(SETD5):c.2104-1G>C

Gene: SETD5 (SET domain containing 5; plus strand). Cytogenetic location: 3p25.3.
Variant type: single nucleotide variant.
Coding change: c.2104-1G>C on transcript NM_001080517.3 (MANE Select); the canonical splice acceptor site of the intron before coding-DNA position 2104, G replaced by C.
Molecular consequence: splice acceptor variant.
Genome position (GRCh38, 1-based): chr3:9,448,387, G>C. VCF-style: chr3-9448387-G-C. GRCh37 (hg19) VCF-style: chr3-9490071-G-C.
Other names: c.2104-1G>C (NM_001437643.1); c.1810-1G>C (NM_001349451.2, NM_001292043.2); c.2200-1G>C (NM_001437633.1); c.2161-1G>C (NM_001437635.1); c.2143-1G>C (NM_001437701.1).
Identifiers: ClinVar variation 4795190 (VCV004795190.1).